The following is an entry in ClinVar:

ClinVar aggregate classification (germline): Conflicting classifications of pathogenicity. Review status: criteria provided, conflicting classifications (1 of 4 stars). 9 submissions from 9 submitters: Uncertain significance (5); Likely benign (2). 2 of the submissions do not count toward it. Last evaluated 2025-10-20.

Conditions:
Cardiovascular phenotype. Identifiers: MedGen CN230736.
Arrhythmogenic cardiomyopathy with wooly hair and keratoderma. Also called: Carvajal syndrome; Dilated cardiomyopathy with woolly hair and keratoderma; Arrhythmogenic cardiomyopathy with woolly hair and keratoderma; PALMOPLANTAR KERATODERMA WITH LEFT VENTRICULAR CARDIOMYOPATHY AND WOOLLY HAIR. Identifiers: Orphanet 65282, MedGen C1854063, MONDO:0011581, OMIM 605676.
Arrhythmogenic right ventricular dysplasia 8 (ARVD8). Also called: Arrhythmogenic Right Ventricular Dysplasia/Cardiomyopathy 8; ARRHYTHMOGENIC RIGHT VENTRICULAR CARDIOMYOPATHY 8; ARRHYTHMOGENIC RIGHT VENTRICULAR DYSPLASIA, FAMILIAL, 8. Identifiers: MedGen C1843896, MONDO:0011831, OMIM 607450.
Cardiomyopathy (CMYO). Also called: Cardiomyopathies. Identifiers: Orphanet 167848, MedGen C0878544, MONDO:0004994, HP:0001638. Inheritance: Various modes of inheritance.
Left ventricular noncompaction cardiomyopathy. Also called: left ventricular non-compaction cardiomyopathy. Identifiers: MedGen C4021133, HP:0011664.

Allele frequency attached by ClinVar (database versions not stated): TOPMed below 0.00001; gnomAD 0.00001; gnomAD exomes 0.00001 and 0.00003; ExAC 0.00002.
gnomAD v4.1: 18 of 1,613,956 alleles (0.0011%); highest among the groups gnomAD compares: Non-Finnish European, 0.0014%; no homozygotes.

Submissions (9):

Ambry Genetics
Classification: Uncertain significance for Cardiovascular phenotype. Last evaluated: 2025-10-20. Review status: criteria provided, single submitter. Criteria: Ambry Variant Classification Scheme 2023. Collection method: clinical testing. Allele origin: germline.
Comment: The p.L1654P variant (also known as c.4961T>C), located in coding exon 23 of the DSP gene, results from a T to C substitution at nucleotide position 4961. The leucine at codon 1654 is replaced by proline, an amino acid with similar properties. This variant co-occurred with additional alterations in the PKP2 gene in a family reported to have arrhythmogenic right ventricular cardiomyopathy (ARVC); however, p.L1654P was not seen in isolation, complicating interpretation of the segregation data (Bauce B et al. Heart Rhythm, 2010 Jan;7:22-9; Xu T et al. J. Am. Coll. Cardiol., 2010 Feb;55:587-97; Rigato I et al. Circ Cardiovasc Genet, 2013 Dec;6:533-42). This variant has also been detected in an individual from a pediatric cardiomyopathy cohort who was reported to have left ventricular non-compaction cardiomyopathy; however, details were limited (K&uuml;hnisch J et al. Clin. Genet., 2019 Dec;96:549-559), and in an exome sequencing cohort in an individual not know to have cardiomyopathy (Haggerty CM et al. Genet. Med., 2017 11;19:1245-1252). This amino acid position is well conserved in available vertebrate species. In addition, this alteration is predicted to be deleterious by in silico analysis. Since supporting evidence is limited at this time, the clinical significance of this alteration remains unclear.

Color Diagnostics, LLC DBA Color Health
Classification: Uncertain significance for Cardiomyopathy. Last evaluated: 2025-07-22. Review status: criteria provided, single submitter. Criteria: ACMG Guidelines, 2015. Collection method: clinical testing. Allele origin: germline.
Comment: This missense variant replaces leucine with proline at codon 1654 of the DSP protein. Computational prediction is inconclusive regarding the impact of this variant on protein structure and function. To our knowledge, functional studies have not been reported for this variant. This variant has been reported in an individual affected with arrhythmogenic right ventricular cardiomyopathy but it did not segregate with disease in the family (PMID: 20129281). This variant has also been reported in an individual affected with left ventricular non-compaction cardiomyopathy (PMID: 31568572). This variant has been identified in 8/250726 chromosomes in the general population by the Genome Aggregation Database (gnomAD). The available evidence is insufficient to determine the role of this variant in disease conclusively. Therefore, this variant is classified as a Variant of Uncertain Significance.

Labcorp Genetics (formerly Invitae), Labcorp
Classification: Likely benign for Arrhythmogenic cardiomyopathy with wooly hair and keratoderma; Arrhythmogenic right ventricular dysplasia 8. Last evaluated: 2025-03-30. Review status: criteria provided, single submitter. Criteria: Invitae Variant Classification Sherloc (09022015). Collection method: clinical testing. Allele origin: germline.

All of Us Research Program, National Institutes of Health
Classification: Uncertain significance for Arrhythmogenic cardiomyopathy with wooly hair and keratoderma. Last evaluated: 2024-01-11. Review status: criteria provided, single submitter. Criteria: ACMG Guidelines, 2015. Collection method: clinical testing. Allele origin: germline. Inheritance: Autosomal dominant inheritance. Observed: 1 variant allele, 1 heterozygote.
Comment: This study involves interpretation of variants in research participants for the purpose of population health screening. Participant phenotype was not available at the time of variant classification. Additional details can be found in publication PMID: 35346344, PMCID: PMC8962531

GeneDx
Classification: Likely benign. Last evaluated: 2019-07-24. Review status: criteria provided, single submitter. Criteria: GeneDx Variant Classification Process June 2021. Collection method: clinical testing. Allele origin: germline. Affected: yes.
Comment: This variant is associated with the following publications: (PMID: 31402444, 21723241, 26138720, 24070718, 20152563, 20129281, 20524011)

Klaassen Lab, Charite University Medicine Berlin
Classification: Uncertain significance for Left ventricular noncompaction cardiomyopathy. Last evaluated: 2019-07-03. Review status: criteria provided, single submitter. Criteria: ACMG Guidelines, 2015. Collection method: research. Allele origin: germline. Affected: yes.

Laboratory for Molecular Medicine, Mass General Brigham Personalized Medicine
Classification: Uncertain significance. Last evaluated: 2015-04-04. Review status: criteria provided, single submitter. Criteria: LMM Criteria. Collection method: clinical testing. Allele origin: germline. Observed: 1 variant allele.
Comment: The p.Leu1654Pro variant has been previously reported in at least 2 adults with ARVC (Bauce 2010, Xu 2010, Bauce 2011, Rigato 2013 - note that some of these stu dies had overlapping cohorts). In one family (Bauce 2010), the proband carried 2 additional PKP2 variants (one of them being a nonsense variant). Family studies were inconclusive but it is worth noting that the DSP Leu1654Pro variant was in herited from the affected father while the PKP2 nonsense variant was inherited f rom the unaffected mother. This variant has also been identified in 1 homozygous individual (2/119956 alleles) by the Exome Aggregation Consortium (.). Computational prediction tools and conservation analyses do not provide strong support for or against an impact to the protein. In summary, the clinical significance of the p.Leu1654Pro variant is uncertain.

Clinical Genetics DNA and cytogenetics Diagnostics Lab, Erasmus MC, Erasmus Medical Center
Classification: Uncertain significance. Review status: no assertion criteria provided. Collection method: clinical testing. Allele origin: germline. Affected: yes. Study: VKGL Data-share Consensus. Not counted in ClinVar's aggregate classification.

Joint Genome Diagnostic Labs from Nijmegen and Maastricht, Radboudumc and MUMC+
Classification: Uncertain significance. Review status: no assertion criteria provided. Collection method: clinical testing. Allele origin: germline. Affected: yes. Study: VKGL Data-share Consensus. Not counted in ClinVar's aggregate classification.

Literature cited by the submitters: PubMed 20129281 (cited by 3 submitters); PubMed 20152563 (cited by Ambry Genetics and Laboratory for Molecular Medicine, Mass General Brigham Personalized Medicine); PubMed 21723241 (cited by Ambry Genetics and Laboratory for Molecular Medicine, Mass General Brigham Personalized Medicine); PubMed 24070718 (cited by Ambry Genetics and Laboratory for Molecular Medicine, Mass General Brigham Personalized Medicine); PubMed 28471438 (cited by Ambry Genetics); PubMed 31402444 (cited by Ambry Genetics); PubMed 31568572 (cited by 3 submitters); PubMed 31333075 (cited by Klaassen Lab, Charite University Medicine Berlin).

NM_004415.4(DSP):c.4961T>C (p.Leu1654Pro)

Gene: DSP (desmoplakin; plus strand). Cytogenetic location: 6p24.3.
Variant type: single nucleotide variant.
Coding change: c.4961T>C on transcript NM_004415.4 (MANE Select); coding-DNA position 4961, T replaced by C.
Protein change: p.Leu1654Pro; replaces leucine 1654 with proline.
Molecular consequence: missense variant. On other transcripts: intron variant (2).
Genome position (GRCh38, 1-based): chr6:7,581,151, T>C. VCF-style: chr6-7581151-T-C. GRCh37 (hg19) VCF-style: chr6-7581384-T-C.
Other names: c.4050+911T>C (NM_001319034.2); c.3582+1379T>C (NM_001008844.3); short protein forms L1654P.
Identifiers: ClinVar variation 199885 (VCV000199885.28), dbSNP rs749730642, ClinGen allele CA004217.
Genomic context (GRCh38, chr6:7,581,151, plus strand): 5'-GGCAGCAGAGGGACGTGCTGGATGGCCACCTGAGGGAAAAGCAGAGGACCCAGGAAGAGC[T>C]GAGGAGGCTCTCTTCTGAGGTCGAGGCCCTGAGGCGGCAGTTACTCCAGGAACAGGAAAG-3'
Protein context (NP_004406.2, residues 1644-1664): LREKQRTQEE[Leu1654Pro]RRLSSEVEAL